The following is an entry in ClinVar:

NM_001271803.2(REEP2):c.331C>G (p.Arg111Gly)

Gene: REEP2 (receptor accessory protein 2; plus strand). Cytogenetic location: 5q31.2.
Variant type: single nucleotide variant.
Coding change: c.331C>G on transcript NM_001271803.2 (MANE Select); coding-DNA position 331, C replaced by G.
Protein change: p.Arg111Gly; replaces arginine 111 with glycine.
Molecular consequence: missense variant. On other transcripts: non-coding transcript variant (2).
Genome position (GRCh38, 1-based): chr5:138,444,781, C>G. VCF-style: chr5-138444781-C-G. GRCh37 (hg19) VCF-style: chr5-137780470-C-G.
Other names: c.331C>G, p.Arg111Gly (NM_016606.4); short protein forms R111G.
Identifiers: ClinVar variation 1717111 (VCV001717111.6), dbSNP rs1763893777, ClinGen allele CA361103613.

ClinVar aggregate classification (germline): Uncertain significance (1 of 4 stars; one submission).

Conditions:
Hereditary spastic paraplegia 72 (SPG72A). Also called: Spastic paraplegia 72, autosomal recessive. Identifiers: Orphanet 401849, MedGen C5882669, MONDO:0014282, OMIM 615625.

Submission:

Labcorp Genetics (formerly Invitae), Labcorp
Classification: Uncertain significance for Hereditary spastic paraplegia 72. Last evaluated: 2024-08-19. Review status: criteria provided, single submitter. Criteria: Invitae Variant Classification Sherloc (09022015). Collection method: clinical testing. Allele origin: germline.
Comment: This sequence change replaces arginine, which is basic and polar, with glycine, which is neutral and non-polar, at codon 111 of the REEP2 protein (p.Arg111Gly). This variant is not present in population databases (gnomAD no frequency). This variant has not been reported in the literature in individuals affected with REEP2-related conditions. ClinVar contains an entry for this variant (Variation ID: 1717111). An algorithm developed to predict the effect of missense changes on protein structure and function (PolyPhen-2) suggests that this variant is likely to be tolerated. In summary, the available evidence is currently insufficient to determine the role of this variant in disease. Therefore, it has been classified as a Variant of Uncertain Significance.